The following is an entry in ClinVar:

ClinVar aggregate classification (germline): Likely pathogenic (1 of 4 stars; one submission).

Conditions:
Neurofibromatosis, type 1 (NF1). Also called: Peripheral type neurofibromatosis; VON RECKLINGHAUSEN DISEASE; NEUROFIBROMATOSIS, TYPE I, SOMATIC; Neurofibromatosis, type I. Identifiers: Orphanet 636, MedGen C0027831, MONDO:0018975, OMIM 162200. Disease mechanism: loss of function.

Submission:

3billion
Classification: Likely pathogenic for Neurofibromatosis, type 1. Last evaluated: 2023-07-31. Review status: criteria provided, single submitter. Criteria: ACMG Guidelines, 2015. Collection method: clinical testing. Allele origin: germline. Affected: yes.
Comment: The variant is not observed in the gnomAD v2.1.1 dataset. Predicted Consequence/Location: Frameshift: predicted to result in a loss or disruption of normal protein function through nonsense-mediated decay (NMD) or protein truncation. Multiple pathogenic variants are reported downstream of the variant. Therefore, this variant is classified as Likely pathogenic according to the recommendation of ACMG/AMP guideline.

NM_001042492.3(NF1):c.7125_7137del (p.His2376fs)

Gene: NF1 (neurofibromin 1; plus strand). Cytogenetic location: 17q11.2.
Variant type: Deletion.
Coding change: c.7125_7137del on transcript NM_001042492.3 (MANE Select); coding-DNA positions 7125 to 7137, 13 bases deleted (TCATTTTGTTGGA).
Protein change: p.His2376fs; shifts the reading frame from histidine 2376.
Molecular consequence: frameshift variant.
Genome position (GRCh38, 1-based): chr17:31,343,071-31,343,083, TCATTTTGTTGGA deleted; deleting any 13 consecutive bases within chr17:31,343,067-31,343,083 gives the same sequence; the c. name uses the placement nearest the transcript's 3' end. VCF-style (leftmost placement, unchanged base first): chr17-31343066-ATGGATCATTTTGT-A. GRCh37 (hg19) VCF-style: chr17-29670084-ATGGATCATTTTGT-A.
Other names: c.7062_7074delTCATTTTGTTGGA, p.His2355Serfs (NM_000267.4); short protein forms H2355fs, H2376fs.
Identifiers: ClinVar variation 3776193 (VCV003776193.1).
Genomic context (GRCh38, chr17:31,343,066, plus strand): 5'-TAGAGTCCAGAGGAAGTATTTATGGCAATCCGGAATCCTCTGGAGTGGCACTGCAAGCAA[ATGGATCATTTTGT>A]TGGACTCAATTTCAACTCTAACTTTAACTTTGCATTGGTTGGACACCTTTTAAAAGGTAA-3'